The following is an entry in ClinVar:

NM_005739.4(RASGRP1):c.675+6T>C

Gene: RASGRP1 (RAS guanyl releasing protein 1; minus strand). Cytogenetic location: 15q14.
Variant type: single nucleotide variant.
Coding change: c.675+6T>C on transcript NM_005739.4 (MANE Select); 6 bases into the intron after coding-DNA position 675, T replaced by C.
Molecular consequence: intron variant.
Genome position (GRCh38, 1-based): chr15:38,516,191, A>G on the plus strand (T>C on the coding strand, the complement: RASGRP1 is on the minus strand). VCF-style: chr15-38516191-A-G. GRCh37 (hg19) VCF-style: chr15-38808392-A-G.
Other names: c.675+6T>C (NM_001306086.2, NM_001128602.2).
Identifiers: ClinVar variation 1525157 (VCV001525157.5), dbSNP rs752121882, ClinGen allele CA268695009.

ClinVar aggregate classification (germline): Uncertain significance (1 of 4 stars; one submission).

Allele frequency attached by ClinVar (database versions not stated): gnomAD exomes 0.00001 and 0.00003; TOPMed 0.00001; gnomAD 0.00002.
gnomAD v4.1: 46 of 1,579,446 alleles (0.0029%); highest among the groups gnomAD compares: Non-Finnish European, 0.0035%; no homozygotes.

Submission:

Labcorp Genetics (formerly Invitae), Labcorp
Classification: Uncertain significance. Last evaluated: 2021-11-04. Review status: criteria provided, single submitter. Criteria: Invitae Variant Classification Sherloc (09022015). Collection method: clinical testing. Allele origin: germline.
Comment: This variant is present in population databases (rs752121882, gnomAD 0.01%). In summary, the available evidence is currently insufficient to determine the role of this variant in disease. Therefore, it has been classified as a Variant of Uncertain Significance. Variants that disrupt the consensus splice site are a relatively common cause of aberrant splicing (PMID: 17576681, 9536098). Algorithms developed to predict the effect of sequence changes on RNA splicing suggest that this variant is not likely to affect RNA splicing. This variant has not been reported in the literature in individuals affected with RASGRP1-related conditions. This sequence change falls in intron 6 of the RASGRP1 gene. It does not directly change the encoded amino acid sequence of the RASGRP1 protein. It affects a nucleotide within the consensus splice site.

Literature cited by the submitters: PubMed 17576681; PubMed 9536098.